The following is an entry in ClinVar:

NM_001366385.1(CARD14):c.2691+4_2691+5dup

Genes: SGSH (N-sulfoglucosamine sulfohydrolase; minus strand), CARD14 (caspase recruitment domain family member 14; plus strand), LOC126862662 (MED14-independent group 3 enhancer GRCh37_chr17:78178385-78179584; plus strand). Cytogenetic location: 17q25.3.
Variant type: Duplication.
Coding change: c.2691+4_2691+5dup on transcript NM_001366385.1 (MANE Select); bases 4 to 5 of the intron after coding-DNA position 2691, 2 bases duplicated (AG; older notation c.2691+4_2691+5dupAG).
Molecular consequence: intron variant.
Genome position (GRCh38, 1-based): chr17:80,205,656-80,205,657, AG duplicated; duplicating any 2 consecutive bases within chr17:80,205,655-80,205,657 gives the same sequence; the c. name uses the placement nearest the transcript's 3' end. VCF-style (leftmost placement, unchanged base first): chr17-80205654-T-TGA. GRCh37 (hg19) VCF-style: chr17-78179453-T-TGA.
Other names: c.2691+4_2691+5dup (NM_024110.4).
Identifiers: ClinVar variation 2929685 (VCV002929685.3), dbSNP rs2041260121, ClinGen allele CA2277859750.

ClinVar aggregate classification (germline): Uncertain significance (1 of 4 stars; one submission).

Conditions:
Pityriasis rubra pilaris (PRP). Also called: Pityriasis rubra pilaris--familial type. Identifiers: Orphanet 2897, MedGen C0032027, MONDO:0100017, OMIM 173200, MONDO:0008251.
Psoriasis 2. Identifiers: MedGen C1864497, MONDO:0011269, OMIM 602723.

Submission:

Labcorp Genetics (formerly Invitae), Labcorp
Classification: Uncertain significance for Pityriasis rubra pilaris; Psoriasis 2. Last evaluated: 2023-07-29. Review status: criteria provided, single submitter. Criteria: Invitae Variant Classification Sherloc (09022015). Collection method: clinical testing. Allele origin: germline.
Comment: This variant is not present in population databases (gnomAD no frequency). In summary, the available evidence is currently insufficient to determine the role of this variant in disease. Therefore, it has been classified as a Variant of Uncertain Significance. Variants that disrupt the consensus splice site are a relatively common cause of aberrant splicing (PMID: 17576681, 9536098). Algorithms developed to predict the effect of sequence changes on RNA splicing suggest that this variant is not likely to affect RNA splicing. This variant has not been reported in the literature in individuals affected with CARD14-related conditions. This sequence change falls in intron 19 of the CARD14 gene. It does not directly change the encoded amino acid sequence of the CARD14 protein. It affects a nucleotide within the consensus splice site.

Literature cited by the submitters: PubMed 17576681; PubMed 9536098.